The following is an entry in ClinVar:

ClinVar aggregate classification (germline): Uncertain significance. Review status: criteria provided, multiple submitters, no conflicts (2 of 4 stars). 2 submissions from 2 submitters: Uncertain significance (2). Last evaluated 2024-03-07.

gnomAD v4.1: 3 of 1,614,162 alleles (0.00019%); highest among the groups gnomAD compares: South Asian, 0.0033%; no homozygotes.

Submissions (2):

Labcorp Genetics (formerly Invitae), Labcorp
Classification: Uncertain significance. Last evaluated: 2024-03-07. Review status: criteria provided, single submitter. Criteria: Invitae Variant Classification Sherloc (09022015). Collection method: clinical testing. Allele origin: germline.
Comment: This sequence change replaces tyrosine, which is neutral and polar, with histidine, which is basic and polar, at codon 182 of the TIMP3 protein (p.Tyr182His). This variant is not present in population databases (gnomAD no frequency). This variant has not been reported in the literature in individuals affected with TIMP3-related conditions. An algorithm developed to predict the effect of missense changes on protein structure and function (PolyPhen-2) suggests that this variant is likely to be disruptive. This variant disrupts the p.Tyr182 amino acid residue in TIMP3. Other variant(s) that disrupt this residue have been determined to be pathogenic (PMID: 25766588). This suggests that this residue is clinically significant, and that variants that disrupt this residue are likely to be disease-causing. In summary, the available evidence is currently insufficient to determine the role of this variant in disease. Therefore, it has been classified as a Variant of Uncertain Significance.

Blueprint Genetics
Classification: Uncertain significance. Last evaluated: 2021-11-19. Review status: criteria provided, single submitter. Criteria: ACMG Guidelines, 2015. Collection method: clinical testing. Allele origin: germline.

Literature cited by the submitters: PubMed 25766588 (cited by Labcorp Genetics (formerly Invitae), Labcorp).

NM_000362.5(TIMP3):c.544T>C (p.Tyr182His)

Genes: SYN3 (synapsin III; minus strand), TIMP3 (TIMP metallopeptidase inhibitor 3; plus strand). Cytogenetic location: 22q12.3.
Variant type: single nucleotide variant.
Coding change: c.544T>C on transcript NM_000362.5 (MANE Select); coding-DNA position 544, T replaced by C.
Protein change: p.Tyr182His; replaces tyrosine 182 with histidine.
Molecular consequence: missense variant. On other transcripts: intron variant (7).
Genome position (GRCh38, 1-based): chr22:32,859,285, T>C. VCF-style: chr22-32859285-T-C. GRCh37 (hg19) VCF-style: chr22-33255272-T-C.
Other names: c.708+5630A>G (NM_001369909.1, NM_001135774.2, NM_001369910.1); c.711+5630A>G (NM_001369907.1, NM_003490.4, NM_001369908.1 and 1 more transcripts); short protein forms Y182H.
Identifiers: ClinVar variation 3685452 (VCV003685452.3).